The following is an entry in ClinVar:

NM_002047.4(GARS1):c.1511T>C (p.Ile504Thr)

Gene: GARS1 (glycyl-tRNA synthetase 1; plus strand). Cytogenetic location: 7p14.3.
Variant type: single nucleotide variant.
Coding change: c.1511T>C on transcript NM_002047.4 (MANE Select); coding-DNA position 1511, T replaced by C.
Protein change: p.Ile504Thr; replaces isoleucine 504 with threonine.
Molecular consequence: missense variant.
Genome position (GRCh38, 1-based): chr7:30,622,360, T>C. VCF-style: chr7-30622360-T-C. GRCh37 (hg19) VCF-style: chr7-30661976-T-C.
Other names: c.1349T>C, p.Ile450Thr (NM_001316772.1); short protein forms I450T, I504T.
Identifiers: ClinVar variation 810081 (VCV000810081.48), dbSNP rs762264480, ClinGen allele CA4205992.
Genomic context (GRCh38, chr7:30,622,360, plus strand): 5'-CCTTGACTACTTCATACAAAACAGTCAATGTTGTTCAGTTTGAACCCAGTAAGGGAGCAA[T>C]TGGTAAGGCATATAAGAAGGATGCAAAACTGGTGATGGAGTATCTTGCCATTTGTGATGA-3'
Protein context (NP_002038.2, residues 494-514): VVQFEPSKGA[Ile504Thr]GKAYKKDAKL

ClinVar aggregate classification (germline): Uncertain significance. Review status: criteria provided, multiple submitters, no conflicts (2 of 4 stars). 2 submissions from 2 submitters: Uncertain significance (2). Last evaluated 2021-04-23.

Conditions:
Charcot-Marie-Tooth disease type 2. Also called: Charcot-Marie-Tooth type 2. Identifiers: Orphanet 64746, MedGen C0270914, MONDO:0018993.

Allele frequency attached by ClinVar (database versions not stated): gnomAD exomes below 0.00001 and 0.00001; ExAC 0.00001.
gnomAD v4.1: 1 of 1,614,148 alleles (0.000062%); highest among the groups gnomAD compares: South Asian, 0.0011%; no homozygotes.

Submissions (2):

Labcorp Genetics (formerly Invitae), Labcorp
Classification: Uncertain significance for Charcot-Marie-Tooth disease type 2. Last evaluated: 2021-04-23. Review status: criteria provided, single submitter. Criteria: Invitae Variant Classification Sherloc (09022015). Collection method: clinical testing. Allele origin: germline.
Comment: This variant is present in population databases (rs762264480, ExAC 0.006%). This sequence change replaces isoleucine with threonine at codon 504 of the GARS protein (p.Ile504Thr). The isoleucine residue is moderately conserved and there is a moderate physicochemical difference between isoleucine and threonine. This variant has not been reported in the literature in individuals with GARS-related conditions. ClinVar contains an entry for this variant (Variation ID: 810081). Algorithms developed to predict the effect of missense changes on protein structure and function are either unavailable or do not agree on the potential impact of this missense change (SIFT: "Deleterious"; PolyPhen-2: "Benign"; Align-GVGD: "Class C15"). In summary, the available evidence is currently insufficient to determine the role of this variant in disease. Therefore, it has been classified as a Variant of Uncertain Significance.

CeGaT Center for Human Genetics Tuebingen
Classification: Uncertain significance. Last evaluated: 2016-09-01. Review status: criteria provided, single submitter. Criteria: CeGaT Center For Human Genetics Tuebingen Variant Classification Criteria Version 2. Collection method: clinical testing. Allele origin: germline. Affected: yes. Observed: 1 variant allele.